The following is an entry in ClinVar:

NM_006904.7(PRKDC):c.1204A>G (p.Thr402Ala)

Gene: PRKDC (protein kinase, DNA-activated, catalytic subunit; minus strand). Cytogenetic location: 8q11.21.
Variant type: single nucleotide variant.
Coding change: c.1204A>G on transcript NM_006904.7 (MANE Select); coding-DNA position 1204, A replaced by G.
Protein change: p.Thr402Ala; replaces threonine 402 with alanine.
Molecular consequence: missense variant.
Genome position (GRCh38, 1-based): chr8:47,936,427, T>C on the plus strand (A>G on the coding strand, the complement: PRKDC is on the minus strand). VCF-style: chr8-47936427-T-C. GRCh37 (hg19) VCF-style: chr8-48848987-T-C.
Other names: c.1204A>G, p.Thr402Ala (NM_001081640.2); short protein forms T402A.
Identifiers: ClinVar variation 2497418 (VCV002497418.3), dbSNP rs983862386, ClinGen allele CA176166635.

ClinVar aggregate classification (germline): Uncertain significance. Review status: criteria provided, multiple submitters, no conflicts (2 of 4 stars). 2 submissions from 2 submitters: Uncertain significance (2). Last evaluated 2023-02-18.

Conditions:
Severe combined immunodeficiency due to DNA-PKcs deficiency. Also called: IMMUNODEFICIENCY 26 WITH NEUROLOGIC ABNORMALITIES; Immunodeficiency 26 with or without neurologic abnormalities. Identifiers: Orphanet 317425, MedGen C4014833, MONDO:0014423, OMIM 615966.

Allele frequency attached by ClinVar (database versions not stated): gnomAD exomes below 0.00001; gnomAD 0.00001.
gnomAD v4.1: 3 of 1,613,898 alleles (0.00019%); highest among the groups gnomAD compares: Non-Finnish European, 0.00025%; no homozygotes.

Submissions (2):

Ambry Genetics
Classification: Uncertain significance. Last evaluated: 2023-02-18. Review status: criteria provided, single submitter. Criteria: Ambry Variant Classification Scheme 2023. Collection method: clinical testing. Allele origin: germline.
Comment: The p.T402A variant (also known as c.1204A>G), located in coding exon 12 of the PRKDC gene, results from an A to G substitution at nucleotide position 1204. The threonine at codon 402 is replaced by alanine, an amino acid with similar properties. This amino acid position is conserved. In addition, this alteration is predicted to be tolerated by in silico analysis. Since supporting evidence is limited at this time, the clinical significance of this alteration remains unclear.

Labcorp Genetics (formerly Invitae), Labcorp
Classification: Uncertain significance for Severe combined immunodeficiency due to DNA-PKcs deficiency. Last evaluated: 2022-11-24. Review status: criteria provided, single submitter. Criteria: Invitae Variant Classification Sherloc (09022015). Collection method: clinical testing. Allele origin: germline.
Comment: This variant has not been reported in the literature in individuals affected with PRKDC-related conditions. In summary, the available evidence is currently insufficient to determine the role of this variant in disease. Therefore, it has been classified as a Variant of Uncertain Significance. Advanced modeling of protein sequence and biophysical properties (such as structural, functional, and spatial information, amino acid conservation, physicochemical variation, residue mobility, and thermodynamic stability) performed at Invitae indicates that this missense variant is not expected to disrupt PRKDC protein function. This variant is present in population databases (no rsID available, gnomAD 0.007%). This sequence change replaces threonine, which is neutral and polar, with alanine, which is neutral and non-polar, at codon 402 of the PRKDC protein (p.Thr402Ala).